The following is an entry in ClinVar:

ClinVar aggregate classification (germline): Uncertain significance. Review status: criteria provided, multiple submitters, no conflicts (2 of 4 stars). 3 submissions from 3 submitters: Uncertain significance (3). Last evaluated 2025-04-09.

Conditions:
Juvenile polyposis syndrome (JPS). Identifiers: Orphanet 2929, MedGen C0345893, MONDO:0017380, OMIM 174900.

Submissions (3):

GeneDx
Classification: Uncertain significance. Last evaluated: 2025-04-09. Review status: criteria provided, single submitter. Criteria: GeneDx Variant Classification Process June 2021. Collection method: clinical testing. Allele origin: germline. Affected: yes.
Comment: Not observed in large population cohorts (gnomAD); In silico analysis supports that this missense variant has a deleterious effect on protein structure/function; Has not been previously published as pathogenic or benign to our knowledge; This variant is associated with the following publications: (PMID: 15235019, 17873119, 18823382)

Quest Diagnostics Nichols Institute San Juan Capistrano
Classification: Uncertain significance. Last evaluated: 2021-03-18. Review status: criteria provided, single submitter. Criteria: Quest Diagnostics criteria. Collection method: clinical testing. Allele origin: unknown.

Labcorp Genetics (formerly Invitae), Labcorp
Classification: Uncertain significance for Juvenile polyposis syndrome. Last evaluated: 2020-05-29. Review status: criteria provided, single submitter. Criteria: Invitae Variant Classification Sherloc (09022015). Collection method: clinical testing. Allele origin: germline.
Comment: This variant has not been reported in the literature in individuals with SMAD4-related conditions. This variant is not present in population databases (ExAC no frequency). This sequence change replaces histidine with glutamine at codon 530 of the SMAD4 protein (p.His530Gln). The histidine residue is highly conserved and there is a small physicochemical difference between histidine and glutamine. Algorithms developed to predict the effect of missense changes on protein structure and function are either unavailable or do not agree on the potential impact of this missense change (SIFT: "Deleterious"; PolyPhen-2: "Probably Damaging"; Align-GVGD: "Class C0"). In summary, the available evidence is currently insufficient to determine the role of this variant in disease. Therefore, it has been classified as a Variant of Uncertain Significance. Algorithms developed to predict the effect of sequence changes on RNA splicing suggest that this variant may create or strengthen a splice site, but this prediction has not been confirmed by published transcriptional studies.

NM_005359.6(SMAD4):c.1590C>G (p.His530Gln)

Gene: SMAD4 (SMAD family member 4; plus strand). Cytogenetic location: 18q21.2.
Variant type: single nucleotide variant.
Coding change: c.1590C>G on transcript NM_005359.6 (MANE Select); coding-DNA position 1590, C replaced by G.
Protein change: p.His530Gln; replaces histidine 530 with glutamine.
Molecular consequence: missense variant.
Genome position (GRCh38, 1-based): chr18:51,078,398, C>G. VCF-style: chr18-51078398-C-G. GRCh37 (hg19) VCF-style: chr18-48604768-C-G.
Other names: short protein forms H530Q.
Identifiers: ClinVar variation 1054313 (VCV001054313.12), dbSNP rs935557677, ClinGen allele CA402466105.